The following is an entry in ClinVar:

ClinVar aggregate classification (germline): Benign. Review status: criteria provided, multiple submitters, no conflicts (2 of 4 stars). 20 submissions from 17 submitters: Benign (16). 4 of the submissions do not count toward it. Last evaluated 2026-02-04.

Conditions:
Malignant hyperthermia, susceptibility to, 1 (MHS1). Also called: Malignant hyperthermia suceptibility 1; Anesthesia related hyperthermia; Malignant hyperpyrexia; Fulminating hyperpyrexia; Pharmacogenic myopathy; RYR1-Related Malignant Hyperthermia Susceptibility. Identifiers: Orphanet 423, MedGen C2930980, MONDO:0007783, OMIM 145600.
Congenital multicore myopathy with external ophthalmoplegia (CMYO1B). Also called: MULTIMINICORE DISEASE WITH EXTERNAL OPHTHALMOPLEGIA; MULTICORE MYOPATHY; Minicore myopathy with external ophthalmoplegia; Congenital myopathy 1B, autosomal recessive; Minicore myopathy. Identifiers: Orphanet 598, Orphanet 98905, MedGen C1850674, MONDO:0009712, OMIM 255320, HP:0003789.
Central core myopathy (CMYO1A). Also called: CONGENITAL MYOPATHY 1A, AUTOSOMAL DOMINANT, WITH SUSCEPTIBILITY TO MALIGNANT HYPERTHERMIA; Central core disease; Myopathy, central fibrillar. Identifiers: Orphanet 597, MedGen C5830701, MONDO:0007294, OMIM 117000.
King Denborough syndrome (KDS). Identifiers: MedGen C1840365, MONDO:0020485, OMIM 619542.
Congenital myopathy with fiber type disproportion. Also called: Congenital fiber-type disproportion myopathy; Congenital fiber-type disproportion. Identifiers: Orphanet 2020, MedGen C0546264, MONDO:0009711. Inheritance: all.
RYR1-related disorder. Also called: RYR1-related condition; RYR1-related disorders. Identifiers: MedGen CN239331.

Allele frequency attached by ClinVar (database versions not stated): gnomAD exomes 0.27629 and 0.32457; ESP Exome Variant Server 0.31978; ExAC 0.32643; gnomAD 0.33086 and 0.33510; TOPMed 0.34294; 1000 Genomes Project 30x 0.41193; 1000 Genomes Project 0.41514.
gnomAD v4.1: 455,962 of 1,613,646 alleles (28%); highest among the groups gnomAD compares: African/African-American, 46%; 68,870 homozygotes.

Submissions (20):

Labcorp Genetics (formerly Invitae), Labcorp
Classification: Benign for RYR1-related disorder. Last evaluated: 2026-02-04. Review status: criteria provided, single submitter. Criteria: Invitae Variant Classification Sherloc (09022015). Collection method: clinical testing. Allele origin: germline.

Blueprint Genetics
Classification: Benign. Last evaluated: 2024-11-28. Review status: criteria provided, single submitter. Criteria: ACMG Guidelines, 2015. Collection method: clinical testing. Allele origin: germline.

Genome-Nilou Lab
Classification: Benign for Central core myopathy. Last evaluated: 2021-11-07. Review status: criteria provided, single submitter. Criteria: ACMG Guidelines, 2015. Collection method: clinical testing. Allele origin: germline. Affected: no.

Genome-Nilou Lab
Classification: Benign for King Denborough syndrome. Last evaluated: 2021-11-07. Review status: criteria provided, single submitter. Criteria: ACMG Guidelines, 2015. Collection method: clinical testing. Allele origin: germline. Affected: no.

Genome-Nilou Lab
Classification: Benign for Congenital multicore myopathy with external ophthalmoplegia. Last evaluated: 2021-11-07. Review status: criteria provided, single submitter. Criteria: ACMG Guidelines, 2015. Collection method: clinical testing. Allele origin: germline. Affected: no.

Fulgent Genetics
Classification: Benign for Central core myopathy; Malignant hyperthermia, susceptibility to, 1; Congenital myopathy 4A, autosomal dominant; Congenital multicore myopathy with external ophthalmoplegia; King Denborough syndrome. Last evaluated: 2021-10-08. Review status: criteria provided, single submitter. Criteria: ACMG Guidelines, 2015. Collection method: clinical testing. Allele origin: unknown.

Color Diagnostics, LLC DBA Color Health
Classification: Benign for Malignant hyperthermia, susceptibility to, 1. Last evaluated: 2019-03-29. Review status: criteria provided, single submitter. Criteria: ACMG Guidelines, 2015. Collection method: clinical testing. Allele origin: germline.

PreventionGenetics, part of Exact Sciences
Classification: Benign. Last evaluated: 2018-04-03. Review status: criteria provided, single submitter. Criteria: ACMG Guidelines, 2015. Collection method: clinical testing. Allele origin: germline.

Illumina Laboratory Services, Illumina
Classification: Benign for Malignant hyperthermia, susceptibility to, 1. Last evaluated: 2018-01-13. Review status: criteria provided, single submitter. Criteria: ICSL Variant Classification Criteria 13 December 2019. Collection method: clinical testing. Allele origin: germline.
Comment: This variant was observed in the ICSL laboratory as part of a predisposition screen in an ostensibly healthy population. It had not been previously curated by ICSL or reported in the Human Gene Mutation Database (HGMD: prior to June 1st, 2018), and was therefore a candidate for classification through an automated scoring system. Utilizing variant allele frequency, disease prevalence and penetrance estimates, and inheritance mode, an automated score was calculated to assess if this variant is too frequent to cause the disease. Based on the score and internal cut-off values, a variant classified as benign is not then subjected to further curation. The score for this variant resulted in a classification of benign for this disease.

Illumina Laboratory Services, Illumina
Classification: Benign for Congenital multicore myopathy with external ophthalmoplegia. Last evaluated: 2018-01-13. Review status: criteria provided, single submitter. Criteria: ICSL Variant Classification Criteria 13 December 2019. Collection method: clinical testing. Allele origin: germline.
Comment: the same text as in the submission from Illumina Laboratory Services, Illumina above.

Mayo Clinic Laboratories, Mayo Clinic
Classification: Benign. Last evaluated: 2017-07-19. Review status: criteria provided, single submitter. Criteria: ACMG Guidelines, 2015. Collection method: clinical testing. Allele origin: germline. Observed: 405 variant alleles.

GeneDx
Classification: Benign. Last evaluated: 2016-01-25. Review status: criteria provided, single submitter. Criteria: GeneDx Variant Classification (06012015). Collection method: clinical testing. Allele origin: germline. Affected: yes.
Comment: This variant is considered likely benign or benign based on one or more of the following criteria: it is a conservative change, it occurs at a poorly conserved position in the protein, it is predicted to be benign by multiple in silico algorithms, and/or has population frequency not consistent with disease.

Laboratory for Molecular Medicine, Mass General Brigham Personalized Medicine
Classification: Benign. Last evaluated: 2015-01-13. Review status: criteria provided, single submitter. Criteria: LMM Criteria. Collection method: clinical testing. Allele origin: germline. Observed: 4 variant alleles.
Comment: p.Ile2706Ile in exon 51 of RYR1: This variant is not expected to have clinical s ignificance because it does not alter an amino acid residue and is not located w ithin the splice consensus sequence. It has been identified in 45.8% (2016/4406) of African American chromosomes from a broad population by the NHLBI Exome Sequ encing Project (dbSNP rs2960340).

Eurofins Ntd Llc (ga)
Classification: Benign. Last evaluated: 2014-06-06. Review status: criteria provided, single submitter. Criteria: EGL Classification Definitions 2015. Collection method: clinical testing. Allele origin: germline. Observed: 25 variant alleles, 23 heterozygotes, 2 homozygotes.

Genetic Services Laboratory, University of Chicago
Classification: Benign. Last evaluated: 2013-08-15. Review status: criteria provided, single submitter. Criteria: ACMG Guidelines, 2007. Collection method: clinical testing. Allele origin: germline. Inheritance: Autosomal unknown.

Breakthrough Genomics
Classification: Benign. Review status: criteria provided, single submitter. Criteria: ACMG Guidelines, 2015. Collection method: not provided. Allele origin: germline. Inheritance: Autosomal recessive inheritance. Affected: yes.

Clinical Genetics, Academic Medical Center
Classification: Benign. Review status: no assertion criteria provided. Collection method: clinical testing. Allele origin: germline. Affected: yes. Study: VKGL Data-share Consensus. Not counted in ClinVar's aggregate classification.

Department of Pathology and Laboratory Medicine, Sinai Health System
Classification: Uncertain significance. Review status: no assertion criteria provided. Collection method: clinical testing. Allele origin: unknown. Affected: yes. Study: The Canadian Open Genetics Repository (COGR). Not counted in ClinVar's aggregate classification.
Comment: Allele frequency is common in at least one population database (frequency: 47.003% in gnomAD_Exomes) based on the frequency threshold of 2.223% for this gene. Variant was observed in a homozygous state in population databases more than expected for disease. 9 reputable source/s reports the variant as benign, but the evidence is not available to the laboratory to perform an independent evaluation. A synonymous variant not located in a splice region.

Joint Genome Diagnostic Labs from Nijmegen and Maastricht, Radboudumc and MUMC+
Classification: Benign. Review status: no assertion criteria provided. Collection method: clinical testing. Allele origin: germline. Affected: yes. Study: VKGL Data-share Consensus. Not counted in ClinVar's aggregate classification.

RYR1 database
No classification provided. Review status: no classification provided. Collection method: not provided. Allele origin: unknown. Not counted in ClinVar's aggregate classification.

NM_000540.3(RYR1):c.8118T>C (p.Ile2706=)

Gene: RYR1 (ryanodine receptor 1; plus strand). Cytogenetic location: 19q13.2.
Variant type: single nucleotide variant.
Coding change: c.8118T>C on transcript NM_000540.3 (MANE Select); coding-DNA position 8118, T replaced by C.
Protein change: p.Ile2706=; no amino-acid change (isoleucine 2706 retained).
Molecular consequence: synonymous variant.
Genome position (GRCh38, 1-based): chr19:38,504,798, T>C. VCF-style: chr19-38504798-T-C. GRCh37 (hg19) VCF-style: chr19-38995438-T-C.
Other names: p.Ile2706=; c.8118T>C, p.Ile2706= (NM_001042723.2).
Identifiers: ClinVar variation 93297 (VCV000093297.37), dbSNP rs2960340, ClinGen allele CA024891.